The following is an entry in ClinVar:

NM_006662.3(SRCAP):c.1477A>G (p.Ser493Gly)

Gene: SRCAP (Snf2 related CREBBP activator protein; plus strand). Cytogenetic location: 16p11.2.
Variant type: single nucleotide variant.
Coding change: c.1477A>G on transcript NM_006662.3 (MANE Select); coding-DNA position 1477, A replaced by G.
Protein change: p.Ser493Gly; replaces serine 493 with glycine.
Molecular consequence: missense variant.
Genome position (GRCh38, 1-based): chr16:30,711,729, A>G. VCF-style: chr16-30711729-A-G. GRCh37 (hg19) VCF-style: chr16-30723050-A-G.
Other names: c.1477A>G (NM_006662.2); short protein forms S493G.
Identifiers: ClinVar variation 3580079 (VCV003580079.4).

ClinVar aggregate classification (germline): Uncertain significance. Review status: criteria provided, multiple submitters, no conflicts (2 of 4 stars). 3 submissions from 3 submitters: Uncertain significance (3). Last evaluated 2025-03-01.

Conditions:
Inborn genetic diseases. Identifiers: MedGen C0950123, MeSH D030342.
Developmental delay, hypotonia, musculoskeletal defects, and behavioral abnormalities. Identifiers: MedGen C5562012, MONDO:0859202, OMIM 619595.
Floating-Harbor syndrome (FLHS). Also called: SRCAP-Related Floating-Harbor Syndrome; Short stature with delayed bone age, expressive language delay, a triangular face with a prominent nose and deep-set eyes; Pelletier-Leisti syndrome. Identifiers: Orphanet 2044, MedGen C0729582, MONDO:0007621, OMIM 136140.

gnomAD v4.1: 12 of 1,612,792 alleles (0.00074%); highest among the groups gnomAD compares: Non-Finnish European, 0.00093%; no homozygotes.

Submissions (3):

Ambry Genetics
Classification: Uncertain significance for Inborn genetic diseases. Last evaluated: 2025-03-01. Review status: criteria provided, single submitter. Criteria: Ambry Variant Classification Scheme 2023. Collection method: clinical testing. Allele origin: germline.

Labcorp Genetics (formerly Invitae), Labcorp
Classification: Uncertain significance. Last evaluated: 2024-06-16. Review status: criteria provided, single submitter. Criteria: Invitae Variant Classification Sherloc (09022015). Collection method: clinical testing. Allele origin: germline.
Comment: This sequence change replaces serine, which is neutral and polar, with glycine, which is neutral and non-polar, at codon 493 of the SRCAP protein (p.Ser493Gly). This variant is present in population databases (no rsID available, gnomAD 0.0009%). This variant has not been reported in the literature in individuals affected with SRCAP-related conditions. Advanced modeling of protein sequence and biophysical properties (such as structural, functional, and spatial information, amino acid conservation, physicochemical variation, residue mobility, and thermodynamic stability) performed at Invitae indicates that this missense variant is not expected to disrupt SRCAP protein function with a negative predictive value of 80%. In summary, the available evidence is currently insufficient to determine the role of this variant in disease. Therefore, it has been classified as a Variant of Uncertain Significance.

Fulgent Genetics
Classification: Uncertain significance for Floating-Harbor syndrome; Developmental delay, hypotonia, musculoskeletal defects, and behavioral abnormalities. Last evaluated: 2024-01-29. Review status: criteria provided, single submitter. Criteria: ACMG Guidelines, 2015. Collection method: clinical testing. Allele origin: germline.